The following is an entry in ClinVar:

ClinVar aggregate classification (germline): Uncertain significance (1 of 4 stars; one submission).

gnomAD v4.1: 1 of 1,614,236 alleles (0.000062%); highest among the groups gnomAD compares: Non-Finnish European, 0.000085%; no homozygotes.

Submission:

Mayo Clinic Laboratories, Mayo Clinic
Classification: Uncertain significance. Last evaluated: 2025-06-05. Review status: criteria provided, single submitter. Criteria: ACMG Guidelines, 2015. Collection method: clinical testing. Allele origin: germline. Observed: 1 variant allele.
Comment: BP4_moderate, PM2_supporting

NM_001130823.3(DNMT1):c.1963G>A (p.Asp655Asn)

Gene: DNMT1 (DNA methyltransferase 1; minus strand). Cytogenetic location: 19p13.2.
Variant type: single nucleotide variant.
Coding change: c.1963G>A on transcript NM_001130823.3 (MANE Select); coding-DNA position 1963, G replaced by A.
Protein change: p.Asp655Asn; replaces aspartic acid 655 with asparagine.
Molecular consequence: missense variant.
Genome position (GRCh38, 1-based): chr19:10,154,349, C>T on the plus strand (G>A on the coding strand, the complement: DNMT1 is on the minus strand). VCF-style: chr19-10154349-C-T. GRCh37 (hg19) VCF-style: chr19-10265025-C-T.
Other names: p.Asp655Asn; c.1915G>A, p.Asp639Asn (NM_001318730.2, NM_001379.4); c.1600G>A, p.Asp534Asn (NM_001318731.2); short protein forms D534N, D655N, D639N.
Identifiers: ClinVar variation 4542301 (VCV004542301.1).